The following is an entry in ClinVar:

NM_001267550.2(TTN):c.1943G>C (p.Arg648Thr)

Gene: TTN (titin; minus strand). Cytogenetic location: 2q31.2.
Variant type: single nucleotide variant.
Coding change: c.1943G>C on transcript NM_001267550.2 (MANE Select); coding-DNA position 1943, G replaced by C.
Protein change: p.Arg648Thr; replaces arginine 648 with threonine.
Molecular consequence: missense variant.
Genome position (GRCh38, 1-based): chr2:178,789,493, C>G on the plus strand (G>C on the coding strand, the complement: TTN is on the minus strand). VCF-style: chr2-178789493-C-G. GRCh37 (hg19) VCF-style: chr2-179654220-C-G.
Other names: c.1943G>C, p.Arg648Thr (NM_001256850.1, NM_133378.4, NM_133379.5); c.1805G>C, p.Arg602Thr (NM_003319.4, NM_133432.3, NM_133437.4); short protein forms R648T, R602T.
Identifiers: ClinVar variation 238715 (VCV000238715.50), dbSNP rs550441902, ClinGen allele CA2005931.

ClinVar aggregate classification (germline): Conflicting classifications of pathogenicity. Review status: criteria provided, conflicting classifications (1 of 4 stars). 7 submissions from 7 submitters: Uncertain significance (5); Likely benign (2). Last evaluated 2026-01-21.

Conditions:
TTN-related disorder. Also called: TTN-related disorders; TTN-related condition; TTN-related disease.
Dilated cardiomyopathy 1G (CMD1G). Identifiers: Orphanet 154, MedGen C1858763, MONDO:0011400, OMIM 604145.
Autosomal recessive limb-girdle muscular dystrophy type 2J (LGMDR10). Also called: Limb-girdle muscular dystrophy, type 2J; MUSCULAR DYSTROPHY, LIMB-GIRDLE, AUTOSOMAL RECESSIVE 10. Identifiers: Orphanet 140922, MedGen C1837342, MONDO:0012127, OMIM 608807.

Allele frequency attached by ClinVar (database versions not stated): ExAC 0.00005; gnomAD exomes 0.00005 and 0.00007; TOPMed 0.00009; gnomAD 0.00011 and 0.00012; 1000 Genomes Project 30x 0.00016; 1000 Genomes Project 0.00020.
gnomAD v4.1: 125 of 1,613,214 alleles (0.0077%); highest among the groups gnomAD compares: Admixed American, 0.012%; no homozygotes.

Submissions (7):

PreventionGenetics, part of Exact Sciences
Classification: Uncertain significance for TTN-related condition. Last evaluated: 2026-01-21. Review status: criteria provided, single submitter. Criteria: ACMG Guidelines, 2015. Collection method: clinical testing. Allele origin: germline.
Comment: The TTN c.1943G>C variant is predicted to result in the amino acid substitution p.Arg648Thr. To our knowledge, this variant has not been reported in the literature. This variant is reported in 0.011% of alleles in individuals of Latino descent in gnomAD. At this time, the clinical significance of this variant is uncertain due to the absence of conclusive functional and genetic evidence.

Blueprint Genetics
Classification: Likely benign. Last evaluated: 2024-01-31. Review status: criteria provided, single submitter. Criteria: ACMG Guidelines, 2015. Collection method: clinical testing. Allele origin: germline.

Women's Health and Genetics/Laboratory Corporation of America, LabCorp
Classification: Uncertain significance. Last evaluated: 2023-08-19. Review status: criteria provided, single submitter. Criteria: LabCorp Variant Classification Summary - May 2015. Collection method: clinical testing. Allele origin: germline.

CeGaT Center for Human Genetics Tuebingen
Classification: Uncertain significance. Last evaluated: 2023-07-01. Review status: criteria provided, single submitter. Criteria: CeGaT Center For Human Genetics Tuebingen Variant Classification Criteria Version 2. Collection method: clinical testing. Allele origin: germline. Affected: yes. Observed: 1 variant allele.
Comment: TTN: PM2, BP4

Revvity Omics, Revvity
Classification: Uncertain significance. Last evaluated: 2022-07-26. Review status: criteria provided, single submitter. Criteria: ACMG Guidelines, 2015. Collection method: clinical testing. Allele origin: germline.

GeneDx
Classification: Likely benign. Last evaluated: 2020-02-07. Review status: criteria provided, single submitter. Criteria: GeneDx Variant Classification Process June 2021. Collection method: clinical testing. Allele origin: germline. Affected: yes.

Labcorp Genetics (formerly Invitae), Labcorp
Classification: Uncertain significance for Dilated cardiomyopathy 1G; Autosomal recessive limb-girdle muscular dystrophy type 2J. Last evaluated: 2016-01-07. Review status: criteria provided, single submitter. Criteria: Invitae Variant Classification Sherloc (09022015). Collection method: clinical testing. Allele origin: germline.